The following is an entry in ClinVar:

NM_014361.4(CNTN5):c.2730+16T>C

Gene: CNTN5 (contactin 5; plus strand). Cytogenetic location: 11q22.1.
Variant type: single nucleotide variant.
Coding change: c.2730+16T>C on transcript NM_014361.4 (MANE Select); 16 bases into the intron after coding-DNA position 2730, T replaced by C.
Molecular consequence: intron variant. On other transcripts: 3 prime UTR variant (1).
Genome position (GRCh38, 1-based): chr11:100,308,484, T>C. VCF-style: chr11-100308484-T-C. GRCh37 (hg19) VCF-style: chr11-100179216-T-C.
Other names: c.*10T>C (NM_001243271.2); c.2730+16T>C (NM_001243270.2); c.2508+16T>C (NM_175566.2).
Identifiers: ClinVar variation 3058701 (VCV003058701.2), dbSNP rs200693361, ClinGen allele CA6242815.

ClinVar aggregate classification (germline): Likely benign (0 of 4 stars; one submission).

Conditions:
CNTN5-related disorder. Also called: CNTN5-related condition.

Allele frequency attached by ClinVar (database versions not stated): ESP Exome Variant Server 0.00008; gnomAD 0.00011; 1000 Genomes Project 30x 0.00031; 1000 Genomes Project 0.00040.
gnomAD v4.1: 175 of 1,605,580 alleles (0.011%); highest among the groups gnomAD compares: South Asian, 0.12%; 3 homozygotes.

Submission:

PreventionGenetics, part of Exact Sciences
Classification: Likely benign for CNTN5-related condition. Last evaluated: 2019-02-20. Review status: no assertion criteria provided. Collection method: clinical testing. Allele origin: germline.
Comment: This variant is classified as likely benign based on ACMG/AMP sequence variant interpretation guidelines (Richards et al. 2015 PMID: 25741868, with internal and published modifications).